The following is an entry in ClinVar:

ClinVar aggregate classification (germline): Uncertain significance (1 of 4 stars; one submission).

gnomAD v4.1: 5 of 1,613,974 alleles (0.00031%); highest among the groups gnomAD compares: Admixed American, 0.005%; no homozygotes.

Submission:

Labcorp Genetics (formerly Invitae), Labcorp
Classification: Uncertain significance. Last evaluated: 2022-10-01. Review status: criteria provided, single submitter. Criteria: Invitae Variant Classification Sherloc (09022015). Collection method: clinical testing. Allele origin: germline.
Comment: This sequence change replaces alanine, which is neutral and non-polar, with serine, which is neutral and polar, at codon 3438 of the USH2A protein (p.Ala3438Ser). This variant is present in population databases (rs146980351, gnomAD 0.009%). This variant has not been reported in the literature in individuals affected with USH2A-related conditions. Advanced modeling of protein sequence and biophysical properties (such as structural, functional, and spatial information, amino acid conservation, physicochemical variation, residue mobility, and thermodynamic stability) performed at Invitae indicates that this missense variant is not expected to disrupt USH2A protein function. In summary, the available evidence is currently insufficient to determine the role of this variant in disease. Therefore, it has been classified as a Variant of Uncertain Significance.

NM_206933.4(USH2A):c.10312G>T (p.Ala3438Ser)

Gene: USH2A (usherin; minus strand). Cytogenetic location: 1q41.
Variant type: single nucleotide variant.
Coding change: c.10312G>T on transcript NM_206933.4 (MANE Select); coding-DNA position 10312, G replaced by T.
Protein change: p.Ala3438Ser; replaces alanine 3438 with serine.
Molecular consequence: missense variant.
Genome position (GRCh38, 1-based): chr1:215,786,745, C>A on the plus strand (G>T on the coding strand, the complement: USH2A is on the minus strand). VCF-style: chr1-215786745-C-A. GRCh37 (hg19) VCF-style: chr1-215960087-C-A.
Other names: short protein forms A3438S.
Identifiers: ClinVar variation 1952082 (VCV001952082.2), dbSNP rs146980351, ClinGen allele CA1394054.